The following is an entry in ClinVar:

ClinVar aggregate classification (germline): Uncertain significance (1 of 4 stars; one submission).

Conditions:
Loeys-Dietz syndrome 2 (LDS2). Also called: TGFBR2-Related Loeys-Dietz Syndrome; MARFAN SYNDROME, TYPE II; Marfan Syndrome type 2; Marfan like connective tissue disorder; MFS 2; Marfan syndrome, type 2 (formerly). Identifiers: Orphanet 284973, Orphanet 558, MedGen C2674574, MONDO:0012427, OMIM 610168.

Allele frequency attached by ClinVar (database versions not stated): ExAC 0.00001; TOPMed 0.00001; gnomAD 0.00002; 1000 Genomes Project 30x 0.00016; 1000 Genomes Project 0.00020.
gnomAD v4.1: 5 of 1,613,772 alleles (0.00031%); highest among the groups gnomAD compares: African/African-American, 0.0053%; no homozygotes.

Submission:

Labcorp Genetics (formerly Invitae), Labcorp
Classification: Uncertain significance for Loeys-Dietz syndrome 2. Last evaluated: 2024-08-13. Review status: criteria provided, single submitter. Criteria: Invitae Variant Classification Sherloc (09022015). Collection method: clinical testing. Allele origin: germline.
Comment: This sequence change creates a premature translational stop signal (p.Glu254*) in the TMPO gene. While this is not anticipated to result in nonsense mediated decay, it is expected to disrupt the last 441 amino acid(s) of the TMPO protein. The frequency data for this variant in the population databases is considered unreliable, as metrics indicate poor data quality at this position in the gnomAD database. This variant has not been reported in the literature in individuals affected with TMPO-related conditions. ClinVar contains an entry for this variant (Variation ID: 1983035). Experimental studies and prediction algorithms are not available or were not evaluated, and the functional significance of this variant is currently unknown. In summary, the available evidence is currently insufficient to determine the role of this variant in disease. Therefore, it has been classified as a Variant of Uncertain Significance.

NM_001032283.3(TMPO):c.565+1179G>T

Gene: TMPO (thymopoietin; plus strand). Cytogenetic location: 12q23.1.
Variant type: single nucleotide variant.
Coding change: c.565+1179G>T on transcript NM_001032283.3 (MANE Select); 1179 bases into the intron after coding-DNA position 565, G replaced by T.
Molecular consequence: intron variant. On other transcripts: nonsense (1).
Genome position (GRCh38, 1-based): chr12:98,533,017, G>T. VCF-style: chr12-98533017-G-T. GRCh37 (hg19) VCF-style: chr12-98926795-G-T.
Other names: c.760G>T, p.Glu254Ter (NM_003276.2); c.565+1179G>T (NM_001307975.2, NM_001032284.3); short protein forms E254*.
Identifiers: ClinVar variation 1983035 (VCV001983035.4), dbSNP rs569630929, ClinGen allele CA6732281.
Genomic context (GRCh38, chr12:98,533,017, plus strand): 5'-GGCAGTACCGAACTACAGGCAGCTAAGAAAGTACATACTTCTAAGGGAGACCTACCTAGG[G>T]AGCCTCTTGTTGCCACAAACTTGCCTGGCAGGGGACAGTTGCAGAAGTTAGCCTCTGAAA-3'